The following is an entry in ClinVar:

ClinVar aggregate classification (germline): Uncertain significance (1 of 4 stars; one submission).

Conditions:
MYO3A-related disorder. Also called: MYO3A-related condition.

Submission:

PreventionGenetics, part of Exact Sciences
Classification: Uncertain significance for MYO3A-related condition. Last evaluated: 2025-05-16. Review status: criteria provided, single submitter. Criteria: ACMG Guidelines, 2015. Collection method: clinical testing. Allele origin: germline.
Comment: The MYO3A c.1259C>T variant is predicted to result in the amino acid substitution p.Thr420Ile. To our knowledge, this variant has not been reported in the literature or in a large population database (gnomAD), indicating this variant is rare. At this time, the clinical significance of this variant is uncertain due to the absence of conclusive functional and genetic evidence.

NM_017433.5(MYO3A):c.1259C>T (p.Thr420Ile)

Gene: MYO3A (myosin IIIA; plus strand). Cytogenetic location: 10p12.1.
Variant type: single nucleotide variant.
Coding change: c.1259C>T on transcript NM_017433.5 (MANE Select); coding-DNA position 1259, C replaced by T.
Protein change: p.Thr420Ile; replaces threonine 420 with isoleucine.
Molecular consequence: missense variant.
Genome position (GRCh38, 1-based): chr10:26,070,199, C>T. VCF-style: chr10-26070199-C-T. GRCh37 (hg19) VCF-style: chr10-26359128-C-T.
Other names: short protein forms T420I.
Identifiers: ClinVar variation 4977497 (VCV004977497.1).